The following is an entry in ClinVar:

ClinVar aggregate classification (germline): Pathogenic (1 of 4 stars; one submission).

Conditions:
Alstrom syndrome (ALMS). Identifiers: Orphanet 64, MedGen C0268425, MONDO:0008763, OMIM 203800.

Submission:

Labcorp Genetics (formerly Invitae), Labcorp
Classification: Pathogenic for Alstrom syndrome. Last evaluated: 2023-04-28. Review status: criteria provided, single submitter. Criteria: Invitae Variant Classification Sherloc (09022015). Collection method: clinical testing. Allele origin: germline.
Comment: This sequence change creates a premature translational stop signal (p.Pro559Leufs*37) in the ALMS1 gene. It is expected to result in an absent or disrupted protein product. Loss-of-function variants in ALMS1 are known to be pathogenic (PMID: 17594715). This variant is not present in population databases (gnomAD no frequency). This variant has not been reported in the literature in individuals affected with ALMS1-related conditions. For these reasons, this variant has been classified as Pathogenic.

Literature cited by the submitters: PubMed 17594715.

NM_001378454.1(ALMS1):c.1673del (p.Pro558fs)

Gene: ALMS1 (ALMS1 centrosome and basal body associated protein; plus strand). Cytogenetic location: 2p13.1.
Variant type: Deletion.
Coding change: c.1673del on transcript NM_001378454.1 (MANE Select); coding-DNA position 1673, one base deleted (C; older notation c.1673delC).
Protein change: p.Pro558fs; shifts the reading frame from proline 558.
Molecular consequence: frameshift variant.
Genome position (GRCh38, 1-based): chr2:73,448,200, C deleted; the last of 2 consecutive C bases (chr2:73,448,199-73,448,200); deleting either gives the same sequence. VCF-style (leftmost placement, unchanged base first): chr2-73448198-TC-T. GRCh37 (hg19) VCF-style: chr2-73675325-TC-T.
Other names: c.1676del, p.Pro559fs (NM_015120.4); short protein forms P559fs, P558fs.
Identifiers: ClinVar variation 2859902 (VCV002859902.3), dbSNP rs2466091915, ClinGen allele CA2739271077.